The following is an entry in ClinVar:

ClinVar aggregate classification (germline): Uncertain significance. Review status: criteria provided, multiple submitters, no conflicts (2 of 4 stars). 3 submissions from 3 submitters: Uncertain significance (3). Last evaluated 2025-08-01.

Conditions:
Inborn genetic diseases. Identifiers: MedGen C0950123, MeSH D030342.
Developmental and epileptic encephalopathy, 50 (DEE50). Also called: Epileptic encephalopathy, early infantile, 50. Identifiers: Orphanet 448010, MedGen C4225320, MONDO:0014647, OMIM 616457.

Allele frequency attached by ClinVar (database versions not stated): gnomAD exomes 0.00001; ExAC 0.00002; gnomAD 0.00004 and 0.00005; TOPMed 0.00004.

Submissions (3):

Ambry Genetics
Classification: Uncertain significance for Inborn genetic diseases. Last evaluated: 2025-08-01. Review status: criteria provided, single submitter. Criteria: Ambry Variant Classification Scheme 2023. Collection method: clinical testing. Allele origin: germline.

Labcorp Genetics (formerly Invitae), Labcorp
Classification: Uncertain significance. Last evaluated: 2024-12-02. Review status: criteria provided, single submitter. Criteria: Invitae Variant Classification Sherloc (09022015). Collection method: clinical testing. Allele origin: germline.
Comment: This sequence change replaces glycine, which is neutral and non-polar, with valine, which is neutral and non-polar, at codon 895 of the CAD protein (p.Gly895Val). This variant is present in population databases (rs759180447, gnomAD 0.02%). This variant has not been reported in the literature in individuals affected with CAD-related conditions. ClinVar contains an entry for this variant (Variation ID: 992736). Invitae Evidence Modeling of protein sequence and biophysical properties (such as structural, functional, and spatial information, amino acid conservation, physicochemical variation, residue mobility, and thermodynamic stability) indicates that this missense variant is not expected to disrupt CAD protein function with a negative predictive value of 80%. In summary, the available evidence is currently insufficient to determine the role of this variant in disease. Therefore, it has been classified as a Variant of Uncertain Significance.

New York Genome Center
Classification: Uncertain significance for Developmental and epileptic encephalopathy, 50. Last evaluated: 2021-11-23. Review status: criteria provided, single submitter. Criteria: NYGC Assertion Criteria 2020. Collection method: clinical testing. Allele origin: germline. Observed: 1 heterozygote. Study: CSER-NYCKidSeq.

NM_004341.5(CAD):c.2684G>T (p.Gly895Val)

Genes: CAD (carbamoyl-phosphate synthetase 2, aspartate transcarbamylase, and dihydroorotase; plus strand), LOC126806171 (BRD4-independent group 4 enhancer GRCh37_chr2:27454350-27455549; plus strand). Cytogenetic location: 2p23.3.
Variant type: single nucleotide variant.
Coding change: c.2684G>T on transcript NM_004341.5 (MANE Select); coding-DNA position 2684, G replaced by T.
Protein change: p.Gly895Val; replaces glycine 895 with valine.
Molecular consequence: missense variant.
Genome position (GRCh38, 1-based): chr2:27,232,486, G>T. VCF-style: chr2-27232486-G-T. GRCh37 (hg19) VCF-style: chr2-27455354-G-T.
Other names: c.2684G>T (NM_004341.3); c.2495G>T, p.Gly832Val (NM_001306079.2); short protein forms G832V, G895V.
Identifiers: ClinVar variation 992736 (VCV000992736.10), dbSNP rs759180447, ClinGen allele CA1573089.